The following is an entry in ClinVar:

ClinVar aggregate classification (germline): Pathogenic (1 of 4 stars; one submission).

Submission:

CeGaT Center for Human Genetics Tuebingen
Classification: Pathogenic. Last evaluated: 2026-09-01. Review status: criteria provided, single submitter. Criteria: CeGaT Center For Human Genetics Tuebingen Variant Classification Criteria Version 2. Collection method: clinical testing. Allele origin: germline. Affected: yes. Observed: 1 variant allele.
Comment: TET2: PVS1, PM2, PM3:Supporting

NM_001127208.3(TET2):c.1842dup (p.Leu615fs)

Genes: TET2 (tet methylcytosine dioxygenase 2; plus strand), TET2-AS1 (TET2 antisense RNA 1; minus strand). Cytogenetic location: 4q24.
Variant type: Duplication.
Coding change: c.1842dup on transcript NM_001127208.3 (MANE Select); coding-DNA position 1842, one base duplicated (G; older notation c.1842dupG).
Protein change: p.Leu615fs; shifts the reading frame from leucine 615.
Molecular consequence: frameshift variant.
Genome position (GRCh38, 1-based): chr4:105,235,784, G duplicated; the last of 6 consecutive G bases (chr4:105,235,779-105,235,784); duplicating any one gives the same sequence. VCF-style (leftmost placement, unchanged base first): chr4-105235778-T-TG. GRCh37 (hg19) VCF-style: chr4-106156935-T-TG.
Other names: c.1842dup, p.Leu615fs (NM_017628.4); short protein forms L615fs.
Identifiers: ClinVar variation 5041257 (VCV005041257.1).
Genomic context (GRCh38, chr4:105,235,778, plus strand): 5'-TCAACCCAATCTCTCCAATCAAATGACCTCCAAACAATACACTGGAAATTCCAACATGCC[T>TG]GGGGGGCTCCCAAGGCAAGCTTACACCCAGAAAACAACACAGCTGGAGCACAAGTCACAA-3'